The following is an entry in ClinVar:

NM_004341.5(CAD):c.4902G>A (p.Val1634=)

Gene: CAD (carbamoyl-phosphate synthetase 2, aspartate transcarbamylase, and dihydroorotase; plus strand). Cytogenetic location: 2p23.3.
Variant type: single nucleotide variant.
Coding change: c.4902G>A on transcript NM_004341.5 (MANE Select); coding-DNA position 4902, G replaced by A.
Protein change: p.Val1634=; no amino-acid change (valine 1634 retained).
Molecular consequence: synonymous variant.
Genome position (GRCh38, 1-based): chr2:27,238,472, G>A. VCF-style: chr2-27238472-G-A. GRCh37 (hg19) VCF-style: chr2-27461340-G-A.
Other names: p.Val1634=; c.4713G>A, p.Val1571= (NM_001306079.2).
Identifiers: ClinVar variation 786479 (VCV000786479.12), dbSNP rs145720393, ClinGen allele CA1573694.

ClinVar aggregate classification (germline): Benign. Review status: criteria provided, multiple submitters, no conflicts (2 of 4 stars). 3 submissions from 3 submitters: Benign (3). Last evaluated 2026-01-31.

Conditions:
Developmental and epileptic encephalopathy, 50 (DEE50). Also called: Epileptic encephalopathy, early infantile, 50. Identifiers: Orphanet 448010, MedGen C4225320, MONDO:0014647, OMIM 616457.

Allele frequency attached by ClinVar (database versions not stated): gnomAD exomes 0.00056 and 0.00154; ExAC 0.00203; 1000 Genomes Project 0.00499; 1000 Genomes Project 30x 0.00500; gnomAD 0.00591 and 0.00640; ESP Exome Variant Server 0.00661; TOPMed 0.00665.
gnomAD v4.1: 1,798 of 1,605,026 alleles (0.11%); highest among the groups gnomAD compares: African/African-American, 2%; 15 homozygotes.

Submissions (3):

Labcorp Genetics (formerly Invitae), Labcorp
Classification: Benign. Last evaluated: 2026-01-31. Review status: criteria provided, single submitter. Criteria: Invitae Variant Classification Sherloc (09022015). Collection method: clinical testing. Allele origin: germline.

ARUP Laboratories, Molecular Genetics and Genomics, ARUP Laboratories
Classification: Benign for Developmental and epileptic encephalopathy, 50. Last evaluated: 2024-10-11. Review status: criteria provided, single submitter. Criteria: ARUP Molecular Germline Variant Investigation Process 2024. Collection method: clinical testing. Allele origin: germline.

Mayo Clinic Laboratories, Mayo Clinic
Classification: Benign. Last evaluated: 2023-03-27. Review status: criteria provided, single submitter. Criteria: ACMG Guidelines, 2015. Collection method: clinical testing. Allele origin: germline. Observed: 3 variant alleles.
Comment: BS1, BS2, BP4, BP7